The following is an entry in ClinVar:

NM_001267550.2(TTN):c.6253C>T (p.Gln2085Ter)

Gene: TTN (titin; minus strand). Cytogenetic location: 2q31.2.
Variant type: single nucleotide variant.
Coding change: c.6253C>T on transcript NM_001267550.2 (MANE Select); coding-DNA position 6253, C replaced by T.
Protein change: p.Gln2085Ter; replaces glutamine 2085 with a stop codon.
Molecular consequence: nonsense.
Genome position (GRCh38, 1-based): chr2:178,775,611, G>A on the plus strand (C>T on the coding strand, the complement: TTN is on the minus strand). VCF-style: chr2-178775611-G-A. GRCh37 (hg19) VCF-style: chr2-179640338-G-A.
Other names: c.6253C>T, p.Gln2085Ter (NM_001256850.1, NM_133378.4, NM_133379.5); c.6115C>T, p.Gln2039Ter (NM_003319.4, NM_133432.3, NM_133437.4); short protein forms Q2085*, Q2039*.
Identifiers: ClinVar variation 4785786 (VCV004785786.1).
Genomic context (GRCh38, chr2:178,775,611, plus strand): 5'-GTTTCCCCACGACTCTGACCCGGAAGTGTGCATCAGATCCTTGGCCCACTGTTTGGCTCT[G>A]GATTCTTTCGAAGATTTTTGGAGCCTCCATACTAGGACTTAGTTCAATCTTGTCAGGTTT-3'

ClinVar aggregate classification (germline): Likely pathogenic (1 of 4 stars; one submission).

Conditions:
Autosomal recessive limb-girdle muscular dystrophy type 2J (LGMDR10). Also called: Limb-girdle muscular dystrophy, type 2J; MUSCULAR DYSTROPHY, LIMB-GIRDLE, AUTOSOMAL RECESSIVE 10. Identifiers: Orphanet 140922, MedGen C1837342, MONDO:0012127, OMIM 608807.
Dilated cardiomyopathy 1G (CMD1G). Identifiers: Orphanet 154, MedGen C1858763, MONDO:0011400, OMIM 604145.

Submission:

Labcorp Genetics (formerly Invitae), Labcorp
Classification: Likely pathogenic for Dilated cardiomyopathy 1G; Autosomal recessive limb-girdle muscular dystrophy type 2J. Last evaluated: 2025-08-05. Review status: criteria provided, single submitter. Criteria: Invitae Variant Classification Sherloc (09022015). Collection method: clinical testing. Allele origin: germline.
Comment: This sequence change creates a premature translational stop signal (p.Gln2085*) in the TTN gene. While this is not anticipated to result in nonsense mediated decay, it is expected to create a truncated TTN protein. This variant is not present in population databases (gnomAD no frequency). This variant has not been observed in the literature in individuals with autosomal recessive TTN-related conditions. This variant has been reported in individual(s) with clinical features of autosomal dominant dilated cardiomyopathy (internal data); however, the role of the variant in this condition is currently unclear. This variant is located in the Z band of TTN (PMID: 25589632). Truncating variants in this region have been reported in individuals affected with autosomal recessive centronuclear myopathy (PMID: 33449170, internal data). Truncating variants in this region have also been identified in individuals affected with autosomal dominant dilated cardiomyopathy and/or cardio-related conditions (PMID: 27869827, 32964742, internal data). In summary, the currently available evidence indicates that the variant is pathogenic, but additional data are needed to prove that conclusively. Therefore, this variant has been classified as Likely Pathogenic.

Literature cited by the submitters: PubMed 25589632; PubMed 33449170; PubMed 27869827; PubMed 32964742.